The following is an entry in ClinVar:

ClinVar aggregate classification (germline): Uncertain significance (0 of 4 stars; one submission).

Conditions:
ZNF644-related disorder. Also called: ZNF644-related condition.

Submission:

PreventionGenetics, part of Exact Sciences
Classification: Uncertain significance for ZNF644-related condition. Last evaluated: 2024-07-24. Review status: no assertion criteria provided. Collection method: clinical testing. Allele origin: germline.
Comment: The ZNF644 c.1206C>G variant is predicted to result in the amino acid substitution p.Phe402Leu. To our knowledge, this variant has not been reported in the literature or in a large population database, indicating this variant is rare. At this time, the clinical significance of this variant is uncertain due to the absence of conclusive functional and genetic evidence.

NM_201269.3(ZNF644):c.1206C>G (p.Phe402Leu)

Gene: ZNF644 (zinc finger protein 644; minus strand). Cytogenetic location: 1p22.2.
Variant type: single nucleotide variant.
Coding change: c.1206C>G on transcript NM_201269.3 (MANE Select); coding-DNA position 1206, C replaced by G.
Protein change: p.Phe402Leu; replaces phenylalanine 402 with leucine.
Molecular consequence: missense variant. On other transcripts: intron variant (2).
Genome position (GRCh38, 1-based): chr1:90,940,148, G>C on the plus strand (C>G on the coding strand, the complement: ZNF644 is on the minus strand). VCF-style: chr1-90940148-G-C. GRCh37 (hg19) VCF-style: chr1-91405705-G-C.
Other names: c.23-21994C>G (NM_032186.5, NM_016620.4); short protein forms F402L.
Identifiers: ClinVar variation 3357055 (VCV003357055.1).